The following is an entry in ClinVar:

ClinVar aggregate classification (germline): Uncertain significance (1 of 4 stars; one submission).

Conditions:
Nemaline myopathy 2 (NEM2). Also called: Nemaline myopathy 2, autosomal recessive. Identifiers: MedGen C1850569, MONDO:0009725, OMIM 256030.

Allele frequency attached by ClinVar (database versions not stated): gnomAD exomes below 0.00001.
gnomAD v4.1: 3 of 1,610,018 alleles (0.00019%); highest among the groups gnomAD compares: Admixed American, 0.0017%; no homozygotes.

Submission:

Labcorp Genetics (formerly Invitae), Labcorp
Classification: Uncertain significance for Nemaline myopathy 2. Last evaluated: 2022-10-13. Review status: criteria provided, single submitter. Criteria: Invitae Variant Classification Sherloc (09022015). Collection method: clinical testing. Allele origin: germline.
Comment: This sequence change replaces glycine, which is neutral and non-polar, with glutamic acid, which is acidic and polar, at codon 714 of the NEB protein (p.Gly714Glu). This variant is not present in population databases (gnomAD no frequency). This variant has not been reported in the literature in individuals affected with NEB-related conditions. Algorithms developed to predict the effect of missense changes on protein structure and function are either unavailable or do not agree on the potential impact of this missense change (SIFT: "Deleterious"; PolyPhen-2: "Not Available"; Align-GVGD: "Class C0"). In summary, the available evidence is currently insufficient to determine the role of this variant in disease. Therefore, it has been classified as a Variant of Uncertain Significance.

NM_001164508.2(NEB):c.2141G>A (p.Gly714Glu)

Gene: NEB (nebulin; minus strand). Cytogenetic location: 2q23.3.
Variant type: single nucleotide variant.
Coding change: c.2141G>A on transcript NM_001164508.2 (MANE Select); coding-DNA position 2141, G replaced by A.
Protein change: p.Gly714Glu; replaces glycine 714 with glutamic acid.
Molecular consequence: missense variant.
Genome position (GRCh38, 1-based): chr2:151,691,934, C>T on the plus strand (G>A on the coding strand, the complement: NEB is on the minus strand). VCF-style: chr2-151691934-C-T. GRCh37 (hg19) VCF-style: chr2-152548448-C-T.
Other names: c.2141G>A, p.Gly714Glu (NM_001164507.2, NM_001271208.2, NM_004543.5); short protein forms G714E.
Identifiers: ClinVar variation 1986802 (VCV001986802.1), dbSNP rs2552267748, ClinGen allele CA348823683.